The following is an entry in ClinVar:

ClinVar aggregate classification (germline): Pathogenic (1 of 4 stars; one submission).

Submission:

Labcorp Genetics (formerly Invitae), Labcorp
Classification: Pathogenic. Last evaluated: 2022-10-17. Review status: criteria provided, single submitter. Criteria: Invitae Variant Classification Sherloc (09022015). Collection method: clinical testing. Allele origin: germline.
Comment: This variant is a gross deletion of the genomic region encompassing exon(s) 13-21 of the NBAS gene. This deletion is out-of-frame, and is expected to create a premature termination codon and result in an absent or disrupted protein product. Loss-of-function variants in NBAS are known to be pathogenic (PMID: 26073778, 26541327, 27789416, 28031453). This variant has not been reported in the literature in individuals affected with NBAS-related conditions. For these reasons, this variant has been classified as Pathogenic.

Literature cited by the submitters: PubMed 26073778; PubMed 26541327; PubMed 27789416; PubMed 28031453.

NC_000002.11:g.(?_15601305)_(15618433_?)del

Gene: NBAS (NBAS subunit of NRZ tethering complex; minus strand). Cytogenetic location: 2p24.3.
Variant type: Deletion.
Identifiers: ClinVar variation 2426223 (VCV002426223.4).